The following is an entry in ClinVar:

NM_000051.4(ATM):c.3834C>A (p.Asp1278Glu)

Gene: ATM (ATM serine/threonine kinase; plus strand). Cytogenetic location: 11q22.3.
Variant type: single nucleotide variant.
Coding change: c.3834C>A on transcript NM_000051.4 (MANE Select); coding-DNA position 3834, C replaced by A.
Protein change: p.Asp1278Glu; replaces aspartic acid 1278 with glutamic acid.
Molecular consequence: missense variant.
Genome position (GRCh38, 1-based): chr11:108,284,314, C>A. VCF-style: chr11-108284314-C-A. GRCh37 (hg19) VCF-style: chr11-108155041-C-A.
Other names: c.3834C>A, p.Asp1278Glu (NM_001351834.2); short protein forms D1278E.
Identifiers: ClinVar variation 216205 (VCV000216205.64), dbSNP rs534864280, ClinGen allele CA337858.

ClinVar aggregate classification (germline): Conflicting classifications of pathogenicity. Review status: criteria provided, conflicting classifications (1 of 4 stars). 9 submissions from 9 submitters: Uncertain significance (7); Likely benign (1). 1 of the submissions does not count toward it. Last evaluated 2025-12-08.

Conditions:
ATM-related disorder. Also called: ATM-related disorders; ATM-related condition.
Hereditary cancer-predisposing syndrome. Also called: Tumor predisposition; Neoplastic Syndromes, Hereditary; Hereditary Cancer Syndrome; Hereditary neoplastic syndrome. Identifiers: Orphanet 140162, MedGen C0027672, MeSH D009386, MONDO:0015356.
Ataxia-telangiectasia syndrome (AT). Also called: ATAXIA-TELANGIECTASIA, COMPLEMENTATION GROUP A; ATAXIA-TELANGIECTASIA, FRESNO VARIANT; Ataxia-telangiectasia; LOUIS-BAR SYNDROME; Cerebello-oculocutaneous telangiectasia; Immunodeficiency with ataxia telangiectasia. Identifiers: Orphanet 100, MedGen C0004135, MONDO:0008840, OMIM 208900.

Allele frequency attached by ClinVar (database versions not stated): TOPMed below 0.00001.
gnomAD v4.1: 4 of 1,613,932 alleles (0.00025%); highest among the groups gnomAD compares: Admixed American, 0.0017%; no homozygotes.

Submissions (9):

PreventionGenetics, part of Exact Sciences
Classification: Uncertain significance for ATM-related condition. Last evaluated: 2025-12-08. Review status: criteria provided, single submitter. Criteria: ACMG Guidelines, 2015. Collection method: clinical testing. Allele origin: germline.
Comment: The ATM c.3834C>A variant is predicted to result in the amino acid substitution p.Asp1278Glu. To our knowledge, this variant has not been reported in the literature. This variant is reported in 0.00088% of alleles in individuals of European (Non-Finnish) descent in gnomAD and has interpretations of uncertain significance and likely benign in ClinVar (Variation ID: 216205). At this time, the clinical significance of this variant is uncertain due to the absence of conclusive functional and genetic evidence.

Labcorp Genetics (formerly Invitae), Labcorp
Classification: Uncertain significance for Ataxia-telangiectasia syndrome. Last evaluated: 2025-11-24. Review status: criteria provided, single submitter. Criteria: Invitae Variant Classification Sherloc (09022015). Collection method: clinical testing. Allele origin: germline.
Comment: This sequence change replaces aspartic acid, which is acidic and polar, with glutamic acid, which is acidic and polar, at codon 1278 of the ATM protein (p.Asp1278Glu). This variant is present in population databases (rs534864280, gnomAD 0.0009%). This variant has not been reported in the literature in individuals affected with ATM-related conditions. ClinVar contains an entry for this variant (Variation ID: 216205). Invitae Evidence Modeling of protein sequence and biophysical properties (such as structural, functional, and spatial information, amino acid conservation, physicochemical variation, residue mobility, and thermodynamic stability) indicates that this missense variant is not expected to disrupt ATM protein function with a negative predictive value of 95%. In summary, the available evidence is currently insufficient to determine the role of this variant in disease. Therefore, it has been classified as a Variant of Uncertain Significance.

GeneDx
Classification: Uncertain significance. Last evaluated: 2025-10-01. Review status: criteria provided, single submitter. Criteria: GeneDx Variant Classification Process June 2021. Collection method: clinical testing. Allele origin: germline. Affected: yes.
Comment: Not observed at significant frequency in large population cohorts (gnomAD); In silico analysis suggests that this missense variant does not alter protein structure/function; Has not been previously published as pathogenic or benign to our knowledge

Ambry Genetics
Classification: Likely benign for Hereditary cancer-predisposing syndrome. Last evaluated: 2025-04-25. Review status: criteria provided, single submitter. Criteria: Ambry Variant Classification Scheme 2023. Collection method: clinical testing. Allele origin: germline.

Molecular Pathology, Peter Maccallum Cancer Centre
Classification: Uncertain significance for Ataxia-telangiectasia syndrome. Last evaluated: 2024-05-24. Review status: criteria provided, single submitter. Criteria: ACMG Guidelines, 2015. Collection method: clinical testing. Allele origin: germline. Inheritance: Autosomal recessive inheritance.

Color Diagnostics, LLC DBA Color Health
Classification: Uncertain significance for Hereditary cancer-predisposing syndrome. Last evaluated: 2024-01-16. Review status: criteria provided, single submitter. Criteria: ACMG Guidelines, 2015. Collection method: clinical testing. Allele origin: germline.
Comment: This missense variant replaces aspartic acid with glutamic acid at codon 1278 of the ATM protein. Computational prediction tools and conservation analyses are inconclusive regarding the impact of this variant on protein structure and function. To our knowledge, functional studies have not been performed for this variant. This variant has not been reported in individuals affected with hereditary cancer in the literature. This variant has been identified in 1/251292 chromosomes in the general population by the Genome Aggregation Database (gnomAD). The available evidence is insufficient to determine the role of this variant in disease conclusively. Therefore, this variant is classified as a Variant of Uncertain Significance.

CeGaT Center for Human Genetics Tuebingen
Classification: Uncertain significance. Last evaluated: 2021-10-01. Review status: criteria provided, single submitter. Criteria: CeGaT Center For Human Genetics Tuebingen Variant Classification Criteria Version 2. Collection method: clinical testing. Allele origin: germline. Affected: yes. Observed: 1 variant allele.

Athena Diagnostics
Classification: Uncertain significance. Last evaluated: 2021-03-03. Review status: criteria provided, single submitter. Criteria: Athena Diagnostics criteria. Collection method: clinical testing. Allele origin: unknown.

Counsyl
Classification: Uncertain significance for Ataxia-telangiectasia syndrome. Last evaluated: 2017-04-05. Review status: no assertion criteria provided. Collection method: clinical testing. Allele origin: unknown. Not counted in ClinVar's aggregate classification.

Literature cited by the submitters: PubMed 33395407 (cited by Athena Diagnostics).